The following is an entry in ClinVar:

ClinVar aggregate classification (germline): Likely benign. Review status: criteria provided, multiple submitters, no conflicts (2 of 4 stars). 4 submissions from 4 submitters: Likely benign (4). Last evaluated 2026-01-18.

Conditions:
Intellectual developmental disorder, autosomal dominant 6, with or without seizures. Also called: Intellectual disability, autosomal dominant 6; GRIN2B-related developmental delay, intellectual disability and autism spectrum disorder. Identifiers: Orphanet 589547, MedGen C3151411, MONDO:0013509, OMIM 613970.
Developmental and epileptic encephalopathy, 27 (DEE27). Also called: GRIN2B-Related Neurodevelopmental Disorder; Epileptic encephalopathy, early infantile, 27. Identifiers: Orphanet 3451, MedGen C4015316, MONDO:0014505, OMIM 616139.

Allele frequency attached by ClinVar (database versions not stated): TOPMed 0.00006; gnomAD 0.00025; ExAC 0.00021; 1000 Genomes Project 30x 0.00031; 1000 Genomes Project 0.00040.
gnomAD v4.1: 190 of 1,614,096 alleles (0.012%); highest among the groups gnomAD compares: Non-Finnish European, 0.0068%; no homozygotes.

Submissions (4):

Labcorp Genetics (formerly Invitae), Labcorp
Classification: Likely benign for Developmental and epileptic encephalopathy, 27; Intellectual developmental disorder, autosomal dominant 6, with or without seizures. Last evaluated: 2026-01-18. Review status: criteria provided, single submitter. Criteria: Invitae Variant Classification Sherloc (09022015). Collection method: clinical testing. Allele origin: germline.

Laboratory of Genetics, Children's Clinical University Hospital Latvia
Classification: Likely benign. Last evaluated: 2025-02-16. Review status: criteria provided, single submitter. Criteria: ACMG Guidelines, 2015. Collection method: clinical testing. Allele origin: germline. Affected: yes.

Blueprint Genetics
Classification: Likely benign. Last evaluated: 2024-04-08. Review status: criteria provided, single submitter. Criteria: ACMG Guidelines, 2015. Collection method: clinical testing. Allele origin: germline.

CeGaT Center for Human Genetics Tuebingen
Classification: Likely benign. Last evaluated: 2023-03-01. Review status: criteria provided, single submitter. Criteria: CeGaT Center For Human Genetics Tuebingen Variant Classification Criteria Version 2. Collection method: clinical testing. Allele origin: germline. Affected: yes. Observed: 1 variant allele.
Comment: GRIN2B: PP2, BS1

NM_000834.5(GRIN2B):c.3413G>A (p.Arg1138Gln)

Gene: GRIN2B (glutamate ionotropic receptor NMDA type subunit 2B; minus strand). Cytogenetic location: 12p13.1.
Variant type: single nucleotide variant.
Coding change: c.3413G>A on transcript NM_000834.5 (MANE Select); coding-DNA position 3413, G replaced by A.
Protein change: p.Arg1138Gln; replaces arginine 1138 with glutamine.
Molecular consequence: missense variant.
Genome position (GRCh38, 1-based): chr12:13,563,825, C>T on the plus strand (G>A on the coding strand, the complement: GRIN2B is on the minus strand). VCF-style: chr12-13563825-C-T. GRCh37 (hg19) VCF-style: chr12-13716759-C-T.
Other names: short protein forms R1138Q.
Identifiers: ClinVar variation 735755 (VCV000735755.33), dbSNP rs187979330, ClinGen allele CA6460902.